The following is an entry in ClinVar:

NM_001164508.2(NEB):c.23798T>C (p.Ile7933Thr)

Genes: NEB (nebulin; minus strand), RIF1 (replication timing regulatory factor 1; plus strand). Cytogenetic location: 2q23.3.
Variant type: single nucleotide variant.
Coding change: c.23798T>C on transcript NM_001164508.2 (MANE Select); coding-DNA position 23798, T replaced by C.
Protein change: p.Ile7933Thr; replaces isoleucine 7933 with threonine.
Molecular consequence: missense variant.
Genome position (GRCh38, 1-based): chr2:151,503,386, A>G on the plus strand (T>C on the coding strand, the complement: NEB is on the minus strand). VCF-style: chr2-151503386-A-G. GRCh37 (hg19) VCF-style: chr2-152359900-A-G.
Other names: c.23798T>C, p.Ile7933Thr (NM_001164507.2); c.23903T>C, p.Ile7968Thr (NM_001271208.2); c.18695T>C, p.Ile6232Thr (NM_004543.5); short protein forms I7968T, I7933T, I6232T.
Identifiers: ClinVar variation 893509 (VCV000893509.12), dbSNP rs140967744, ClinGen allele CA1906243.

ClinVar aggregate classification (germline): Conflicting classifications of pathogenicity. Review status: criteria provided, conflicting classifications (1 of 4 stars). 5 submissions from 5 submitters: Uncertain significance (4); Benign (1). Last evaluated 2026-01-21.

Conditions:
Nemaline myopathy 2 (NEM2). Also called: Nemaline myopathy 2, autosomal recessive. Identifiers: MedGen C1850569, MONDO:0009725, OMIM 256030.

Allele frequency attached by ClinVar (database versions not stated): ESP Exome Variant Server 0.00008; TOPMed 0.00014; ExAC 0.00017; 1000 Genomes Project 30x 0.00062; 1000 Genomes Project 0.00080.
gnomAD v4.1: 93 of 1,612,902 alleles (0.0058%); highest among the groups gnomAD compares: East Asian, 0.12%; no homozygotes.

Submissions (5):

Labcorp Genetics (formerly Invitae), Labcorp
Classification: Benign for Nemaline myopathy 2. Last evaluated: 2026-01-21. Review status: criteria provided, single submitter. Criteria: Invitae Variant Classification Sherloc (09022015). Collection method: clinical testing. Allele origin: germline.

GeneDx
Classification: Uncertain significance. Last evaluated: 2025-05-29. Review status: criteria provided, single submitter. Criteria: GeneDx Variant Classification Process June 2021. Collection method: clinical testing. Allele origin: germline. Affected: yes.
Comment: Identified in a patient with pneumonia, hernia, global developmental delay, atelectasis and dysphagia who harbored a second variant (c.21340 C>T) in trans (PMID: 31965297); In silico analysis supports that this missense variant has a deleterious effect on protein structure/function; This variant is associated with the following publications: (PMID: 25668207, 31965297)

Revvity Omics, Revvity
Classification: Uncertain significance. Last evaluated: 2025-03-28. Review status: criteria provided, single submitter. Criteria: ACMG Guidelines, 2015. Collection method: clinical testing. Allele origin: germline.

Women's Health and Genetics/Laboratory Corporation of America, LabCorp
Classification: Uncertain significance. Last evaluated: 2022-02-24. Review status: criteria provided, single submitter. Criteria: LabCorp Variant Classification Summary - May 2015. Collection method: clinical testing. Allele origin: germline.
Comment: Variant summary: NEB c.23903T>C (p.Ile7968Thr) results in a non-conservative amino acid change in the encoded protein sequence. Three of five in-silico tools predict a benign effect of the variant on protein function. The variant allele was found at a frequency of 0.00015 in 249028 control chromosomes. This frequency is not significantly higher than expected for a pathogenic variant in NEB causing Nemaline Myopathy 2 (0.00015 vs 0.0035), allowing no conclusion about variant significance. c.23903T>C has been reported in the literature as a VUS compound heterozygous genotype (with NEB, c.21340C>T) in at-least one critically ill infant affected with Pneumonia, Hernia, Global Developmental delay, Atelectasis and Dysphagia who underwent trio genome sequencing analysis (example, Wang_2020). The authors reported the diagnostic criteria as needing follow-up. These report(s) do not provide unequivocal conclusions about association of the variant with Nemaline Myopathy 2. To our knowledge, no experimental evidence demonstrating an impact on protein function has been reported. One clinical diagnostic laboratory has submitted clinical-significance assessments for this variant to ClinVar after 2014 without evidence for independent evaluation and classified the variant as uncertain significance. Based on the evidence outlined above, the variant was classified as uncertain significance.

Illumina Laboratory Services, Illumina
Classification: Uncertain significance for Nemaline myopathy 2. Last evaluated: 2018-01-13. Review status: criteria provided, single submitter. Criteria: ICSL Variant Classification Criteria 13 December 2019. Collection method: clinical testing. Allele origin: germline.

Literature cited by the submitters: PubMed 31965297 (cited by Women's Health and Genetics/Laboratory Corporation of America, LabCorp).